The following is an entry in ClinVar:

ClinVar aggregate classification (germline): Benign/Likely benign. Review status: criteria provided, multiple submitters, no conflicts (2 of 4 stars). 3 submissions from 3 submitters: Benign (1); Likely benign (2). Last evaluated 2019-06-27.

Conditions:
Paget disease of bone 3. Identifiers: MedGen C4085252, MONDO:0008176, OMIM 167250.

Allele frequency attached by ClinVar (database versions not stated): gnomAD 0.01338 and 0.01439; 1000 Genomes Project 0.01438; TOPMed 0.01556; 1000 Genomes Project 30x 0.01624.
gnomAD v4.1: 2,721 of 616,162 alleles (0.44%); highest among the groups gnomAD compares: African/African-American, 4.6%; 79 homozygotes.

Submissions (3):

GeneDx
Classification: Likely benign. Last evaluated: 2019-06-27. Review status: criteria provided, single submitter. Criteria: GeneDx Variant Classification Process June 2021. Collection method: clinical testing. Allele origin: germline. Affected: yes.

Illumina Laboratory Services, Illumina
Classification: Benign for Paget disease of bone 3. Last evaluated: 2018-01-12. Review status: criteria provided, single submitter. Criteria: ICSL Variant Classification Criteria 13 December 2019. Collection method: clinical testing. Allele origin: germline.
Comment: This variant was observed in the ICSL laboratory as part of a predisposition screen in an ostensibly healthy population. It had not been previously curated by ICSL or reported in the Human Gene Mutation Database (HGMD: prior to June 1st, 2018), and was therefore a candidate for classification through an automated scoring system. Utilizing variant allele frequency, disease prevalence and penetrance estimates, and inheritance mode, an automated score was calculated to assess if this variant is too frequent to cause the disease. Based on the score and internal cut-off values, a variant classified as benign is not then subjected to further curation. The score for this variant resulted in a classification of benign for this disease.

Breakthrough Genomics
Classification: Likely benign. Review status: criteria provided, single submitter. Criteria: ACMG Guidelines, 2015. Collection method: not provided. Allele origin: germline. Inheritance: Autosomal recessive inheritance. Affected: yes.

NM_003900.5(SQSTM1):c.*279C>G

Genes: SQSTM1 (sequestosome 1; plus strand), LOC112997583 (Sharpr-MPRA regulatory region 15558; plus strand). Cytogenetic location: 5q35.3.
Variant type: single nucleotide variant.
Coding change: c.*279C>G on transcript NM_003900.5 (MANE Select); 279 bases downstream of the stop codon, C replaced by G.
Molecular consequence: 3 prime UTR variant.
Genome position (GRCh38, 1-based): chr5:179,836,872, C>G. VCF-style: chr5-179836872-C-G. GRCh37 (hg19) VCF-style: chr5-179263872-C-G.
Other names: c.*279C>G (NM_001142298.2, NM_001142299.2).
Identifiers: ClinVar variation 353174 (VCV000353174.9), dbSNP rs11548631, ClinGen allele CA10624428.
Genomic context (GRCh38, chr5:179,836,872, plus strand): 5'-CAGCAGGGCTGGGCCTGCGAGACCCAAGGCTCACTGCAGCGCGCTCCTGACCCCTCCCTG[C>G]AGGGGCTACGTTAGCAGCCCAGCACATAGCTTGCCTAATGGCTTTCACTTTCTCTTTTGT-3'